The following is an entry in ClinVar:

ClinVar aggregate classification (germline): Uncertain significance. Review status: criteria provided, multiple submitters, no conflicts (2 of 4 stars). 8 submissions from 8 submitters: Uncertain significance (6). 2 of the submissions do not count toward it. Last evaluated 2025-03-17.

Conditions:
Cardiovascular phenotype. Identifiers: MedGen CN230736.
Cardiomyopathy (CMYO). Also called: Cardiomyopathies. Identifiers: Orphanet 167848, MedGen C0878544, MONDO:0004994, HP:0001638. Inheritance: Various modes of inheritance.
Hypertrophic cardiomyopathy. Also called: HYPERTROPHIC MYOCARDIOPATHY. Identifiers: Orphanet 217569, MedGen C0007194, MeSH D002312, MONDO:0005045, HP:0001639.

Allele frequency attached by ClinVar (database versions not stated): ExAC 0.00009; ESP Exome Variant Server 0.00025; gnomAD 0.00003; gnomAD exomes 0.00003 and 0.00005; TOPMed 0.00005.

Submissions (8):

Color Diagnostics, LLC DBA Color Health
Classification: Uncertain significance for Cardiomyopathy. Last evaluated: 2025-03-17. Review status: criteria provided, single submitter. Criteria: ACMG Guidelines, 2015. Collection method: clinical testing. Allele origin: germline.
Comment: This missense variant replaces proline with leucine at codon 1157 of the MYBPC3 protein. Computational prediction suggests that this variant may not impact protein structure and function. To our knowledge, functional studies have not been reported for this variant. This variant has been reported in several individuals affected with hypertrophic cardiomyopathy (PMID: 27532257, 30847666, 33495596, 33495597, 38489124), in two individuals affected with dilated cardiomyopathy (PMID: 30847666, 31983221), and in an individual affected with sudden unexpected death in infancy or early childhood (PMID: 26272908). It has also been reported in an individual affected with both hypoplastic left heart syndrome and hypertrophic cardiomyopathy, who also carried another pathogenic truncation variant in the same gene (PMID: 33325730). This variant has been identified in 8/268306 chromosomes in the general population by the Genome Aggregation Database (gnomAD). The available evidence is insufficient to determine the role of this variant in disease conclusively. Therefore, this variant is classified as a Variant of Uncertain Significance.

Labcorp Genetics (formerly Invitae), Labcorp
Classification: Uncertain significance for Hypertrophic cardiomyopathy. Last evaluated: 2024-11-21. Review status: criteria provided, single submitter. Criteria: Invitae Variant Classification Sherloc (09022015). Collection method: clinical testing. Allele origin: germline.
Comment: This sequence change replaces proline, which is neutral and non-polar, with leucine, which is neutral and non-polar, at codon 1157 of the MYBPC3 protein (p.Pro1157Leu). This variant is present in population databases (rs373304680, gnomAD 0.007%). This missense change has been observed in individual(s) with MYBPC3-related conditions (PMID: 27532257, 30847666, 33325730, 37652022). ClinVar contains an entry for this variant (Variation ID: 665254). An algorithm developed to predict the effect of missense changes on protein structure and function (PolyPhen-2) suggests that this variant is likely to be disruptive. In summary, the available evidence is currently insufficient to determine the role of this variant in disease. Therefore, it has been classified as a Variant of Uncertain Significance.

GeneDx
Classification: Uncertain significance. Last evaluated: 2024-07-16. Review status: criteria provided, single submitter. Criteria: GeneDx Variant Classification Process June 2021. Collection method: clinical testing. Allele origin: germline. Affected: yes.
Comment: Identified in patients with cardiomyopathy, sudden death, and hypoplastic left heart syndrome (HLHS); several patients harbored additional cardiogenetic variants (PMID: 37652022, 26272908, 33325730, 27532257, 30847666); In silico analysis supports that this missense variant has a deleterious effect on protein structure/function; This variant is associated with the following publications: (PMID: 30847666, 26272908, 27532257, 37652022, 33325730)

All of Us Research Program, National Institutes of Health
Classification: Uncertain significance for Hypertrophic cardiomyopathy. Last evaluated: 2024-05-30. Review status: criteria provided, single submitter. Criteria: ACMG Guidelines, 2015. Collection method: clinical testing. Allele origin: germline. Inheritance: Autosomal dominant inheritance. Observed: 16 variant alleles, 16 heterozygotes.
Comment: This missense variant replaces proline with leucine at codon 1157 of the MYBPC3 protein. Computational prediction suggests that this variant may not impact protein structure and function. To our knowledge, functional studies have not been reported for this variant. This variant has been reported in three individuals with affected with hypertrophic cardiomyopathy (PMID: 27532257, 30847666, 33495596, 33495597), in two individuals affected with dilated cardiomyopathy (PMID: 30847666, 31983221), and in one individual affected with sudden unexpected death in infancy or early childhood (PMID: 26272908). It has also been reported in one individual affected with both hypoplastic left heart syndrome and hypertrophic cardiomyopathy, who also carried another pathogenic truncation variant in the same gene (PMID: 33325730). This variant has been identified in 8/268306 chromosomes in the general population by the Genome Aggregation Database (gnomAD). The available evidence is insufficient to determine the role of this variant in disease conclusively. Therefore, this variant is classified as a Variant of Uncertain Significance.

This study involves interpretation of variants in research participants for the purpose of population health screening. Participant phenotype was not available at the time of variant classification. Additional details can be found in publication PMID: 35346344, PMCID: PMC8962531

Ambry Genetics
Classification: Uncertain significance for Cardiovascular phenotype. Last evaluated: 2023-12-08. Review status: criteria provided, single submitter. Criteria: Ambry Variant Classification Scheme 2023. Collection method: clinical testing. Allele origin: germline.
Comment: The p.P1157L variant (also known as c.3470C>T), located in coding exon 31 of the MYBPC3 gene, results from a C to T substitution at nucleotide position 3470. The proline at codon 1157 is replaced by leucine, an amino acid with similar properties. This variant has been reported in cardiomyopathy genetic testing cohorts, as well as in a sudden unexplained death case; however, clinical details were limited, and some cases had additional cardiac variants detected (Santori M et al. Arch. Dis. Child., 2015 Oct;100:952-6; Walsh R et al. Genet. Med., 2017 02;19:192-203; van Lint FHM et al. Neth Heart J, 2019 Jun;27:304-309). This amino acid position is not well conserved in available vertebrate species. In addition, this alteration is predicted to be tolerated by in silico analysis. Since supporting evidence is limited at this time, the clinical significance of this alteration remains unclear.

CHEO Genetics Diagnostic Laboratory, Children's Hospital of Eastern Ontario
Classification: Uncertain significance for Cardiomyopathy. Last evaluated: 2023-06-16. Review status: criteria provided, single submitter. Criteria: ACMG Guidelines, 2015. Collection method: clinical testing. Allele origin: germline.

Clinical Genetics, Academic Medical Center
Classification: Uncertain significance. Review status: no assertion criteria provided. Collection method: clinical testing. Allele origin: germline. Affected: yes. Study: VKGL Data-share Consensus. Not counted in ClinVar's aggregate classification.

Diagnostic Laboratory, Department of Genetics, University Medical Center Groningen
Classification: Uncertain significance. Review status: no assertion criteria provided. Collection method: clinical testing. Allele origin: germline. Affected: yes. Study: VKGL Data-share Consensus. Not counted in ClinVar's aggregate classification.

Literature cited by the submitters: PubMed 26272908 (cited by 3 submitters); PubMed 27532257 (cited by 4 submitters); PubMed 30847666 (cited by 4 submitters); PubMed 31983221 (cited by 3 submitters); PubMed 33325730 (cited by 3 submitters); PubMed 33495596 (cited by 3 submitters); PubMed 33495597 (cited by Color Diagnostics, LLC DBA Color Health and All of Us Research Program, National Institutes of Health); PubMed 38489124 (cited by Color Diagnostics, LLC DBA Color Health); PubMed 37652022 (cited by Labcorp Genetics (formerly Invitae), Labcorp).

NM_000256.3(MYBPC3):c.3470C>T (p.Pro1157Leu)

Gene: MYBPC3 (myosin binding protein C3; minus strand). Cytogenetic location: 11p11.2.
Variant type: single nucleotide variant.
Coding change: c.3470C>T on transcript NM_000256.3 (MANE Select); coding-DNA position 3470, C replaced by T.
Protein change: p.Pro1157Leu; replaces proline 1157 with leucine.
Molecular consequence: missense variant.
Genome position (GRCh38, 1-based): chr11:47,332,834, G>A on the plus strand (C>T on the coding strand, the complement: MYBPC3 is on the minus strand). VCF-style: chr11-47332834-G-A. GRCh37 (hg19) VCF-style: chr11-47354385-G-A.
Other names: c.3470C>T, p.Pro1157Leu (LRG_386t1); short protein forms P1157L.
Identifiers: ClinVar variation 665254 (VCV000665254.26), dbSNP rs373304680, ClinGen allele CA079387.
Genomic context (GRCh38, chr11:47,332,834, plus strand): 5'-CCTGCCCCAGCCCCTGGTTGGAAGAATGAGGGTACAGCACCTGGTCTGGGGATAAAGACG[G>A]GCTCCTTGGTGGTGGCCGCTCTGTCACTAAAGCCAACCATATTCTGGCTGAAGACGCGGA-3'
Protein context (NP_000247.2, residues 1147-1167): FSDRAATTKE[Pro1157Leu]VFIPRPGITY